The following is an entry in ClinVar:

NM_000701.8(ATP1A1):c.1644C>T (p.Leu548=)

Genes: ATP1A1 (ATPase Na+/K+ transporting subunit alpha 1; plus strand), ATP1A1-AS1 (ATP1A1 antisense RNA 1; minus strand). Cytogenetic location: 1p13.1.
Variant type: single nucleotide variant.
Coding change: c.1644C>T on transcript NM_000701.8 (MANE Select); coding-DNA position 1644, C replaced by T.
Protein change: p.Leu548=; no amino-acid change (leucine 548 retained).
Molecular consequence: synonymous variant.
Genome position (GRCh38, 1-based): chr1:116,393,707, C>T. VCF-style: chr1-116393707-C-T. GRCh37 (hg19) VCF-style: chr1-116936329-C-T.
Other names: c.1644C>T, p.Leu548= (NM_001160233.2); c.1551C>T, p.Leu517= (NM_001160234.2); c.1644C>T (NM_000701.7).
Identifiers: ClinVar variation 1674680 (VCV001674680.34), dbSNP rs375787318, ClinGen allele CA1025361.
Genomic context (GRCh38, chr1:116,393,707, plus strand): 5'-GCCCCTGGATGAGGAGCTGAAAGACGCCTTTCAGAACGCCTATTTGGAGCTGGGGGGCCT[C>T]GGAGAACGAGTCCTAGGTATGCAGATAACCTGGTAACAGAGTGCCTGGGCACGTTTTTAT-3'
Protein context (NP_000692.2, residues 538-558): FQNAYLELGG[Leu548=]GERVLGFCHL

ClinVar aggregate classification (germline): Benign/Likely benign. Review status: criteria provided, multiple submitters, no conflicts (2 of 4 stars). 4 submissions from 4 submitters: Benign (1); Likely benign (3). Last evaluated 2026-08-01.

Conditions:
ATP1A1-related disorder. Also called: ATP1A1-related condition.

Allele frequency attached by ClinVar (database versions not stated): ESP Exome Variant Server 0.00008; ExAC 0.00023; gnomAD exomes 0.00025 and 0.00058.
gnomAD v4.1: 930 of 1,613,064 alleles (0.058%); highest among the groups gnomAD compares: Non-Finnish European, 0.072%; no homozygotes.

Submissions (4):

CeGaT Center for Human Genetics Tuebingen
Classification: Likely benign. Last evaluated: 2026-08-01. Review status: criteria provided, single submitter. Criteria: CeGaT Center For Human Genetics Tuebingen Variant Classification Criteria Version 2. Collection method: clinical testing. Allele origin: germline. Affected: yes. Observed: 6 variant alleles.
Comment: ATP1A1: BP4, BP7

Women's Health and Genetics/Laboratory Corporation of America, LabCorp
Classification: Benign. Last evaluated: 2026-05-27. Review status: criteria provided, single submitter. Criteria: LabCorp Variant Classification Summary - May 2015. Collection method: clinical testing. Allele origin: germline.

Labcorp Genetics (formerly Invitae), Labcorp
Classification: Likely benign. Last evaluated: 2026-01-12. Review status: criteria provided, single submitter. Criteria: Invitae Variant Classification Sherloc (09022015). Collection method: clinical testing. Allele origin: germline.

PreventionGenetics, part of Exact Sciences
Classification: Likely benign for ATP1A1-related condition. Last evaluated: 2025-09-28. Review status: criteria provided, single submitter. Criteria: ACMG Guidelines, 2015. Collection method: clinical testing. Allele origin: germline.
Comment: This variant is classified as likely benign based on ACMG/AMP sequence variant interpretation guidelines (Richards et al. 2015 PMID: 25741868, with internal and published modifications).